The following is an entry in ClinVar:

ClinVar aggregate classification (germline): Likely benign (1 of 4 stars; one submission).

Allele frequency attached by ClinVar (database versions not stated): ExAC 0.00069; ESP Exome Variant Server 0.00088; 1000 Genomes Project 0.00100; gnomAD 0.00115; TOPMed 0.00117; 1000 Genomes Project 30x 0.00141; gnomAD exomes 0.00177.
gnomAD v4.1: 2,626 of 1,551,558 alleles (0.17%); highest among the groups gnomAD compares: Non-Finnish European, 0.21%; 4 homozygotes.

Submission:

CeGaT Center for Human Genetics Tuebingen
Classification: Likely benign. Last evaluated: 2022-12-01. Review status: criteria provided, single submitter. Criteria: CeGaT Center For Human Genetics Tuebingen Variant Classification Criteria Version 2. Collection method: clinical testing. Allele origin: germline. Affected: yes. Observed: 2 variant alleles.
Comment: NWD2: BP4, BP7

NM_001144990.2(NWD2):c.456G>A (p.Leu152=)

Gene: NWD2 (NACHT and WD repeat domain containing 2; plus strand). Cytogenetic location: 4p14.
Variant type: single nucleotide variant.
Coding change: c.456G>A on transcript NM_001144990.2 (MANE Select); coding-DNA position 456, G replaced by A.
Protein change: p.Leu152=; no amino-acid change (leucine 152 retained).
Molecular consequence: synonymous variant.
Genome position (GRCh38, 1-based): chr4:37,430,670, G>A. VCF-style: chr4-37430670-G-A. GRCh37 (hg19) VCF-style: chr4-37432292-G-A.
Identifiers: ClinVar variation 2654710 (VCV002654710.24), dbSNP rs184375612, ClinGen allele CA2885818.